The following is an entry in ClinVar:

NM_006237.4(POU4F1):c.928T>C (p.Cys310Arg)

Genes: OBI1-AS1 (OBI1 antisense RNA 1; plus strand), POU4F1 (POU class 4 homeobox 1; minus strand). Cytogenetic location: 13q31.1.
Variant type: single nucleotide variant.
Coding change: c.928T>C on transcript NM_006237.4 (MANE Select); coding-DNA position 928, T replaced by C.
Protein change: p.Cys310Arg; replaces cysteine 310 with arginine.
Molecular consequence: missense variant.
Genome position (GRCh38, 1-based): chr13:78,601,747, A>G on the plus strand (T>C on the coding strand, the complement: POU4F1 is on the minus strand). VCF-style: chr13-78601747-A-G. GRCh37 (hg19) VCF-style: chr13-79175882-A-G.
Other names: short protein forms C310R.
Identifiers: ClinVar variation 3359128 (VCV003359128.2).

ClinVar aggregate classification (germline): Uncertain significance (1 of 4 stars; one submission).

Conditions:
Ataxia, intention tremor, and hypotonia syndrome, childhood-onset. Identifiers: MedGen C5543478, MONDO:0859158, OMIM 619352.

Submission:

Institute of Human Genetics, University of Leipzig Medical Center
Classification: Uncertain significance for Ataxia, intention tremor, and hypotonia syndrome, childhood-onset. Last evaluated: 2023-11-16. Review status: criteria provided, single submitter. Criteria: ACMG Guidelines, 2015. Collection method: clinical testing. Allele origin: unknown. Inheritance: Autosomal dominant inheritance. Affected: yes.
Comment: Criteria applied: PM1,PM2_SUP,PP3